The following is an entry in ClinVar:

NM_014271.4(IL1RAPL1):c.1264G>C (p.Glu422Gln)

Gene: IL1RAPL1 (interleukin 1 receptor accessory protein like 1; plus strand). Cytogenetic location: Xp21.2.
Variant type: single nucleotide variant.
Coding change: c.1264G>C on transcript NM_014271.4 (MANE Select); coding-DNA position 1264, G replaced by C.
Protein change: p.Glu422Gln; replaces glutamic acid 422 with glutamine.
Molecular consequence: missense variant.
Genome position (GRCh38, 1-based): chrX:29,954,584, G>C. VCF-style: chrX-29954584-G-C. GRCh37 (hg19) VCF-style: chrX-29972701-G-C.
Other names: short protein forms E422Q.
Identifiers: ClinVar variation 3367305 (VCV003367305.1).
Genomic context (GRCh38, chrX:29,954,584, plus strand): 5'-AATAAAGATTATGATGCATACTTATCATACACCAAAGTGGATCCTGACCAGTGGAATCAA[G>C]AGACTGGGGAAGAAGAACGTTTTGCCCTTGAAATCCTACCTGATATGCTTGAAAAGCATT-3'
Protein context (NP_055086.1, residues 412-432): TKVDPDQWNQ[Glu422Gln]TGEEERFALE

ClinVar aggregate classification (germline): Uncertain significance (1 of 4 stars; one submission).

Submission:

GeneDx
Classification: Uncertain significance. Last evaluated: 2023-12-29. Review status: criteria provided, single submitter. Criteria: GeneDx Variant Classification Process June 2021. Collection method: clinical testing. Allele origin: germline. Affected: yes.
Comment: Not observed at significant frequency in large population cohorts (gnomAD); In silico analysis supports that this missense variant does not alter protein structure/function; Has not been previously published as pathogenic or benign to our knowledge